The following is an entry in ClinVar:

NM_022455.5(NSD1):c.1663G>A (p.Ala555Thr)

Gene: NSD1 (nuclear receptor binding SET domain protein 1; plus strand). Cytogenetic location: 5q35.3.
Variant type: single nucleotide variant.
Coding change: c.1663G>A on transcript NM_022455.5 (MANE Select); coding-DNA position 1663, G replaced by A.
Protein change: p.Ala555Thr; replaces alanine 555 with threonine.
Molecular consequence: missense variant.
Genome position (GRCh38, 1-based): chr5:177,210,062, G>A. VCF-style: chr5-177210062-G-A. GRCh37 (hg19) VCF-style: chr5-176637063-G-A.
Other names: c.910G>A, p.Ala304Thr (NM_001409305.1); c.790G>A, p.Ala264Thr (NM_001409306.1, NM_001409307.1, NM_001409308.1 and 3 more transcripts); c.1663G>A, p.Ala555Thr (NM_001409301.1, NM_001409302.1, NM_001409303.1); c.1243G>A, p.Ala415Thr (NM_001409304.1); short protein forms A415T, A264T, A555T, A304T.
Identifiers: ClinVar variation 3591988 (VCV003591988.5).
Genomic context (GRCh38, chr5:177,210,062, plus strand): 5'-CTAAACTTTATCTCTGGGGATATATCTGATACGCAGGCCTCTAATGAACTTTCCAGGATA[G>A]CAAATAGCCTCACAGGGTCCAACACTGCCCCAGGAAGTTTTCTGTTTTCTTCCTGTGGAA-3'
Protein context (NP_071900.2, residues 545-565): TQASNELSRI[Ala555Thr]NSLTGSNTAP

ClinVar aggregate classification (germline): Conflicting classifications of pathogenicity. Review status: criteria provided, conflicting classifications (1 of 4 stars). 4 submissions from 4 submitters: Uncertain significance (3); Likely benign (1). Last evaluated 2025-04-09.

Conditions:
Inborn genetic diseases. Identifiers: MedGen C0950123, MeSH D030342.
Sotos syndrome (SOTOS). Also called: Distinctive facial appearance, overgrowth in childhood, and learning disabilities or delayed development; SOTOS SYNDROME 1; CHROMOSOME 5q35 DELETION SYNDROME; CEREBRAL GIGANTISM; Sotos' syndrome. Identifiers: Orphanet 821, MedGen C0175695, MONDO:0019349, OMIM 117550.

gnomAD v4.1: 10 of 1,613,936 alleles (0.00062%); highest among the groups gnomAD compares: Admixed American, 0.013%; no homozygotes.

Submissions (4):

Ambry Genetics
Classification: Uncertain significance for Inborn genetic diseases. Last evaluated: 2025-04-09. Review status: criteria provided, single submitter. Criteria: Ambry Variant Classification Scheme 2023. Collection method: clinical testing. Allele origin: germline.

Labcorp Genetics (formerly Invitae), Labcorp
Classification: Uncertain significance. Last evaluated: 2024-12-22. Review status: criteria provided, single submitter. Criteria: Invitae Variant Classification Sherloc (09022015). Collection method: clinical testing. Allele origin: germline.
Comment: This sequence change replaces alanine, which is neutral and non-polar, with threonine, which is neutral and polar, at codon 555 of the NSD1 protein (p.Ala555Thr). This variant is present in population databases (rs564464928, gnomAD 0.003%). This variant has not been reported in the literature in individuals affected with NSD1-related conditions. Invitae Evidence Modeling of protein sequence and biophysical properties (such as structural, functional, and spatial information, amino acid conservation, physicochemical variation, residue mobility, and thermodynamic stability) has been performed for this missense variant. However, the output from this modeling did not meet the statistical confidence thresholds required to predict the impact of this variant on NSD1 protein function. In summary, the available evidence is currently insufficient to determine the role of this variant in disease. Therefore, it has been classified as a Variant of Uncertain Significance.

Fulgent Genetics
Classification: Uncertain significance for Sotos syndrome. Last evaluated: 2024-04-28. Review status: criteria provided, single submitter. Criteria: ACMG Guidelines, 2015. Collection method: clinical testing. Allele origin: germline.

Blueprint Genetics
Classification: Likely benign. Last evaluated: 2021-08-06. Review status: criteria provided, single submitter. Criteria: ACMG Guidelines, 2015. Collection method: clinical testing. Allele origin: germline.